The following is an entry in ClinVar:

NM_015335.5(MED13L):c.1551A>T (p.Leu517Phe)

Gene: MED13L (mediator complex subunit 13L; minus strand). Cytogenetic location: 12q24.21.
Variant type: single nucleotide variant.
Coding change: c.1551A>T on transcript NM_015335.5 (MANE Select); coding-DNA position 1551, A replaced by T.
Protein change: p.Leu517Phe; replaces leucine 517 with phenylalanine.
Molecular consequence: missense variant.
Genome position (GRCh38, 1-based): chr12:116,008,862, T>A on the plus strand (A>T on the coding strand, the complement: MED13L is on the minus strand). VCF-style: chr12-116008862-T-A. GRCh37 (hg19) VCF-style: chr12-116446667-T-A.
Other names: short protein forms L517F.
Identifiers: ClinVar variation 2983164 (VCV002983164.3), dbSNP rs765566328, ClinGen allele CA386896078.
Genomic context (GRCh38, chr12:116,008,862, plus strand): 5'-GCTTGTATTTCTGGAAGGCACGGCCATTTGCTTATCATATTTCCTACTGCTAGACACCTC[T>A]AAGGAGGAGTCTATCCCTGCCAACCCTAGTTTCTGTCCTGGTGTATCTTGCTCCATGCAT-3'
Protein context (NP_056150.1, residues 507-527): KLGLAGIDSS[Leu517Phe]EVSSSRKYDK

ClinVar aggregate classification (germline): Uncertain significance (1 of 4 stars; one submission).

Conditions:
Dextro-looped transposition of the great arteries. Also called: Dextrotransposition of the great arteries. Identifiers: Orphanet 860, MedGen C3531771, MONDO:0019443, OMIM 608808, HP:0031348.

Submission:

Labcorp Genetics (formerly Invitae), Labcorp
Classification: Uncertain significance for Dextro-looped transposition of the great arteries. Last evaluated: 2023-10-17. Review status: criteria provided, single submitter. Criteria: Invitae Variant Classification Sherloc (09022015). Collection method: clinical testing. Allele origin: germline.
Comment: This sequence change replaces leucine, which is neutral and non-polar, with phenylalanine, which is neutral and non-polar, at codon 517 of the MED13L protein (p.Leu517Phe). This variant is not present in population databases (gnomAD no frequency). This variant has not been reported in the literature in individuals affected with MED13L-related conditions. Advanced modeling of protein sequence and biophysical properties (such as structural, functional, and spatial information, amino acid conservation, physicochemical variation, residue mobility, and thermodynamic stability) performed at Invitae indicates that this missense variant is not expected to disrupt MED13L protein function. In summary, the available evidence is currently insufficient to determine the role of this variant in disease. Therefore, it has been classified as a Variant of Uncertain Significance.